The following is an entry in ClinVar:

ClinVar aggregate classification (germline): Uncertain significance. Review status: criteria provided, multiple submitters, no conflicts (2 of 4 stars). 2 submissions from 2 submitters: Uncertain significance (2). Last evaluated 2026-05-21.

gnomAD v4.1: 6 of 1,202,546 alleles (0.0005%); highest among the groups gnomAD compares: Non-Finnish European, 0.00067%; no homozygotes.

Submissions (2):

Women's Health and Genetics/Laboratory Corporation of America, LabCorp
Classification: Uncertain significance. Last evaluated: 2026-05-21. Review status: criteria provided, single submitter. Criteria: LabCorp Variant Classification Summary - May 2015. Collection method: clinical testing. Allele origin: germline.
Comment: Variant summary: COL4A6 c.712C>T (p.Pro238Ser) results in a non-conservative amino acid change in the encoded protein sequence. Algorithms developed to predict the effect of missense changes on protein structure and function all suggest that this variant is likely to be disruptive. The frequency data for this variant in gnomAD is considered unreliable, as metrics indicate poor data quality at this position. To our knowledge, no occurrence of c.712C>T in individuals affected with COL4A6-related conditions and no experimental evidence demonstrating its impact on protein function have been reported. ClinVar contains an entry for this variant (Variation ID: 4655637). Based on the evidence outlined above, the variant was classified as uncertain significance.

Ambry Genetics
Classification: Uncertain significance. Last evaluated: 2025-11-25. Review status: criteria provided, single submitter. Criteria: Ambry Variant Classification Scheme 2023. Collection method: clinical testing. Allele origin: germline.

NM_033641.4(COL4A6):c.709C>T (p.Pro237Ser)

Gene: COL4A6 (collagen type IV alpha 6 chain; minus strand). Cytogenetic location: Xq22.3.
Variant type: single nucleotide variant.
Coding change: c.709C>T on transcript NM_033641.4 (MANE Select); coding-DNA position 709, C replaced by T.
Protein change: p.Pro237Ser; replaces proline 237 with serine.
Molecular consequence: missense variant.
Genome position (GRCh38, 1-based): chrX:108,204,391, G>A on the plus strand (C>T on the coding strand, the complement: COL4A6 is on the minus strand). VCF-style: chrX-108204391-G-A. GRCh37 (hg19) VCF-style: chrX-107447621-G-A.
Other names: c.709C>T, p.Pro237Ser (NM_001287758.2, NM_001287759.2, NM_001287760.2 and 1 more transcripts); c.712C>T, p.Pro238Ser (NM_001440759.1, NM_001847.4); short protein forms P237S, P238S.
Identifiers: ClinVar variation 4655637 (VCV004655637.2).